The following is an entry in ClinVar:

ClinVar aggregate classification (germline): Pathogenic/Likely pathogenic. Review status: criteria provided, multiple submitters, no conflicts (2 of 4 stars). 2 submissions from 2 submitters: Pathogenic (1); Likely pathogenic (1). Last evaluated 2024-06-12.

Conditions:
Mitochondrial neurogastrointestinal encephalomyopathy. Also called: Mitochondrial neurogastrointestinal encephalopathy syndrome; MNGIE syndrome; Thymidine phosphorylase deficiency. Identifiers: Orphanet 298, MedGen C0872218, MONDO:0017575.

Allele frequency attached by ClinVar (database versions not stated): TOPMed 0.00001.

Submissions (2):

Labcorp Genetics (formerly Invitae), Labcorp
Classification: Pathogenic. Last evaluated: 2024-06-12. Review status: criteria provided, single submitter. Criteria: Invitae Variant Classification Sherloc (09022015). Collection method: clinical testing. Allele origin: germline.
Comment: This sequence change creates a premature translational stop signal (p.Gln97*) in the TYMP gene. It is expected to result in an absent or disrupted protein product. Loss-of-function variants in TYMP are known to be pathogenic (PMID: 9924029, 15781193). This variant is not present in population databases (gnomAD no frequency). This variant has not been reported in the literature in individuals affected with TYMP-related conditions. For these reasons, this variant has been classified as Pathogenic.

Natera, Inc.
Classification: Likely pathogenic for Mitochondrial neurogastrointestinal encephalomyopathy. Last evaluated: 2024-02-23. Review status: criteria provided, single submitter. Criteria: Natera Variant Classification Schema (03/2026). Collection method: clinical testing. Allele origin: germline.
Comment: The c.289C>T variant in TYMP is a nonsense variant predicted to introduce a stop codon at amino acid 97. This variant is expected to result in nonsense mediated decay, truncation, or a dysfunctional protein product. This variant is rare in the general population with a frequency below the threshold expected for the associated phenotype(s). Given the available evidence, this variant is classified as Likely Pathogenic.

Literature cited by the submitters: PubMed 9924029 (cited by Labcorp Genetics (formerly Invitae), Labcorp); PubMed 15781193 (cited by Labcorp Genetics (formerly Invitae), Labcorp).

NM_001953.5(TYMP):c.289C>T (p.Gln97Ter)

Genes: TYMP (thymidine phosphorylase; minus strand), LOC130067864 (ATAC-STARR-seq lymphoblastoid active region 19325; plus strand). Cytogenetic location: 22q13.33.
Variant type: single nucleotide variant.
Coding change: c.289C>T on transcript NM_001953.5 (MANE Select); coding-DNA position 289, C replaced by T.
Protein change: p.Gln97Ter; replaces glutamine 97 with a stop codon.
Molecular consequence: nonsense.
Genome position (GRCh38, 1-based): chr22:50,529,264, G>A on the plus strand (C>T on the coding strand, the complement: TYMP is on the minus strand). VCF-style: chr22-50529264-G-A. GRCh37 (hg19) VCF-style: chr22-50967693-G-A.
Other names: c.289C>T, p.Gln97Ter (NM_001113755.3, NM_001113756.3, NM_001257988.1 and 1 more transcripts); c.289C>T (NM_001953.4); short protein forms Q97*.
Identifiers: ClinVar variation 2998081 (VCV002998081.4), dbSNP rs1031019051, ClinGen allele CA325565302.